The following is an entry in ClinVar:

NM_058216.3(RAD51C):c.308dup (p.Cys104fs)

Gene: RAD51C (RAD51 paralog C; plus strand). Cytogenetic location: 17q22.
Variant type: Duplication.
Coding change: c.308dup on transcript NM_058216.3 (MANE Select); coding-DNA position 308, one base duplicated (T; older notation c.308dupT).
Protein change: p.Cys104fs; shifts the reading frame from cysteine 104.
Molecular consequence: frameshift variant. On other transcripts: non-coding transcript variant (2).
Genome position (GRCh38, 1-based): chr17:58,695,093, T duplicated; the last of 2 consecutive T bases (chr17:58,695,092-58,695,093); duplicating either gives the same sequence. VCF-style (leftmost placement, unchanged base first): chr17-58695091-C-CT. GRCh37 (hg19) VCF-style: chr17-56772452-C-CT.
Other names: c.308dup, p.Cys104fs (NM_002876.4); short protein forms C104fs.
Identifiers: ClinVar variation 4812977 (VCV004812977.1).

ClinVar aggregate classification (germline): Pathogenic (1 of 4 stars; one submission).

Conditions:
Breast-ovarian cancer, familial, susceptibility to, 3. Also called: RAD51C-Related Breast/Ovarian Cancer. Identifiers: Orphanet 145, MedGen C3150659, MONDO:0013253, OMIM 613399.

Submission:

Myriad Genetics, Inc.
Classification: Pathogenic for Breast-ovarian cancer, familial, susceptibility to, 3. Last evaluated: 2025-10-16. Review status: criteria provided, single submitter. Criteria: Myriad Autosomal Dominant, Autosomal Recessive and X-Linked Classification Criteria (2023). Collection method: clinical testing. Allele origin: unknown.
Comment: This variant is considered pathogenic. This variant creates a frameshift predicted to result in premature protein truncation.